The following is an entry in ClinVar:

ClinVar aggregate classification (germline): Conflicting classifications of pathogenicity. Review status: criteria provided, conflicting classifications (1 of 4 stars). 4 submissions from 4 submitters: Uncertain significance (1); Likely benign (3). Last evaluated 2026-02-24.

Conditions:
Cardiovascular phenotype. Identifiers: MedGen CN230736.
Long QT syndrome (LQTS). Identifiers: MedGen C0023976, MeSH D008133, MONDO:0002442. Disease mechanism: loss of function. Inheritance: Various modes of inheritance.

Allele frequency attached by ClinVar (database versions not stated): gnomAD exomes 0.00003 and 0.00004; ExAC 0.00004; ESP Exome Variant Server 0.00008; gnomAD 0.00015 and 0.00017; TOPMed 0.00015; 1000 Genomes Project 0.00040; 1000 Genomes Project 30x 0.00062.
gnomAD v4.1: 64 of 1,614,090 alleles (0.004%); highest among the groups gnomAD compares: African/African-American, 0.048%; no homozygotes.

Submissions (4):

Women's Health and Genetics/Laboratory Corporation of America, LabCorp
Classification: Likely benign. Last evaluated: 2026-02-24. Review status: criteria provided, single submitter. Criteria: LabCorp Variant Classification Summary - May 2015. Collection method: clinical testing. Allele origin: germline.
Comment: Variant summary: KCNJ5 c.1123C>T (p.Arg375Trp) results in a non-conservative amino acid change in the encoded protein sequence. Algorithms developed to predict the effect of missense changes on protein structure and function all suggest that this variant is likely to be disruptive. The variant allele was found at a frequency of 5e-05 in 282670 control chromosomes, predominantly at a frequency of 0.0004 within the African or African-American subpopulation in the gnomAD database. The observed variant frequency within African or African-American control individuals in the gnomAD database exceeds the estimated maximal expected allele frequency for disease-causing variants in KCNJ5. To our knowledge, no occurrence of c.1123C>T in individuals affected with KCNJ5-related conditions and no experimental evidence demonstrating its impact on protein function have been reported. ClinVar contains an entry for this variant (Variation ID: 1060449). Based on the evidence outlined above, the variant was classified as likely benign.

Labcorp Genetics (formerly Invitae), Labcorp
Classification: Likely benign for Long QT syndrome. Last evaluated: 2026-01-21. Review status: criteria provided, single submitter. Criteria: Invitae Variant Classification Sherloc (09022015). Collection method: clinical testing. Allele origin: germline.

GeneDx
Classification: Uncertain significance. Last evaluated: 2024-06-16. Review status: criteria provided, single submitter. Criteria: GeneDx Variant Classification Process June 2021. Collection method: clinical testing. Allele origin: germline. Affected: yes.
Comment: In silico analysis indicates that this missense variant does not alter protein structure/function; Reported in a case of sudden infant death (PMID: 30086531); This variant is associated with the following publications: (PMID: 35813615, 31388123, 36693943, 30086531)

Ambry Genetics
Classification: Likely benign for Cardiovascular phenotype. Last evaluated: 2023-01-12. Review status: criteria provided, single submitter. Criteria: Ambry Variant Classification Scheme 2023. Collection method: clinical testing. Allele origin: germline.

Literature cited by the submitters: PubMed 30086531 (cited by Ambry Genetics).

NM_000890.5(KCNJ5):c.1123C>T (p.Arg375Trp)

Gene: KCNJ5 (potassium inwardly rectifying channel subfamily J member 5; plus strand). Cytogenetic location: 11q24.3.
Variant type: single nucleotide variant.
Coding change: c.1123C>T on transcript NM_000890.5 (MANE Select); coding-DNA position 1123, C replaced by T.
Protein change: p.Arg375Trp; replaces arginine 375 with tryptophan.
Molecular consequence: missense variant.
Genome position (GRCh38, 1-based): chr11:128,916,594, C>T. VCF-style: chr11-128916594-C-T. GRCh37 (hg19) VCF-style: chr11-128786489-C-T.
Other names: c.1123C>T, p.Arg375Trp (NM_001354169.2); short protein forms R375W.
Identifiers: ClinVar variation 1060449 (VCV001060449.15), dbSNP rs142454198, ClinGen allele CA6358000.
Genomic context (GRCh38, chr11:128,916,594, plus strand): 5'-TATGAGACCAACACACCCAGCTGCTGTGCCAAGGAGCTGGCAGAAATGAAGAGGGAAGGC[C>T]GGCTCCTCCAGTACCTCCCCAGCCCCCCACTGCTGGGGGGCTGTGCTGAGGCAGGGCTGG-3'
Protein context (NP_000881.3, residues 365-385): KELAEMKREG[Arg375Trp]LLQYLPSPPL